The following is an entry in ClinVar:

NM_000255.4(MMUT):c.656del (p.Asn219fs)

Gene: MMUT (methylmalonyl-CoA mutase; minus strand). Cytogenetic location: 6p12.3.
Variant type: Deletion.
Coding change: c.656del on transcript NM_000255.4 (MANE Select); coding-DNA position 656, one base deleted (A; older notation c.656delA).
Protein change: p.Asn219fs; shifts the reading frame from asparagine 219.
Molecular consequence: frameshift variant.
Genome position (GRCh38, 1-based): chr6:49,457,788, T deleted on the plus strand (A on the coding strand, the reverse complement: MMUT is on the minus strand); the first of 4 consecutive T bases (chr6:49,457,788-49,457,791); deleting any one gives the same sequence. VCF-style (leftmost placement, unchanged base first): chr6-49457787-AT-A. GRCh37 (hg19) VCF-style: chr6-49425500-AT-A.
Other names: c.656del (NM_000255.3); short protein forms N219fs.
Identifiers: ClinVar variation 1073471 (VCV001073471.10), dbSNP rs777296241, ClinGen allele CA2499218333.

ClinVar aggregate classification (germline): Pathogenic. Review status: criteria provided, multiple submitters, no conflicts (2 of 4 stars). 2 submissions from 2 submitters: Pathogenic (2). Last evaluated 2026-01-29.

Conditions:
Methylmalonic aciduria due to complete methylmalonyl-CoA mutase deficiency.

Submissions (2):

Natera, Inc.
Classification: Pathogenic for Methylmalonic aciduria due to complete methylmalonyl-CoA mutase deficiency. Last evaluated: 2026-01-29. Review status: criteria provided, single submitter. Criteria: Natera Variant Classification Schema (03/2026). Collection method: clinical testing. Allele origin: germline.
Comment: The c.656del variant in MMUT is a frameshift variant predicted to shift the reading frame beginning at codon 219 and leads to a stop codon 4 codons downstream. This variant is expected to result in nonsense mediated decay, truncation, or a dysfunctional protein product. This variant is rare in the general population with a frequency below the threshold expected for the associated phenotype(s). This variant has been observed in one or more individuals affected with the associated recessive disease, as either homozygous or compound heterozygous with a second variant (PMID: 16281286). Given the available evidence, this variant is classified as Pathogenic.

Labcorp Genetics (formerly Invitae), Labcorp
Classification: Pathogenic. Last evaluated: 2020-02-20. Review status: criteria provided, single submitter. Criteria: Invitae Variant Classification Sherloc (09022015). Collection method: clinical testing. Allele origin: germline.
Comment: For these reasons, this variant has been classified as Pathogenic. Loss-of-function variants in MUT are known to be pathogenic (PMID: 15781192). This variant has been observed in combination with another MUT variant in an individual affected with methylmalonic aciduria (PMID: 16281286). This variant is not present in population databases (ExAC no frequency). This sequence change creates a premature translational stop signal (p.Asn219Metfs*4) in the MUT gene. It is expected to result in an absent or disrupted protein product.

Literature cited by the submitters: PubMed 16281286 (cited by Natera, Inc. and Labcorp Genetics (formerly Invitae), Labcorp); PubMed 15781192 (cited by Labcorp Genetics (formerly Invitae), Labcorp).